The following is an entry in ClinVar:

NM_000059.4(BRCA2):c.917A>G (p.Asp306Gly)

Gene: BRCA2 (BRCA2 DNA repair associated; plus strand). Cytogenetic location: 13q13.1.
Variant type: single nucleotide variant.
Coding change: c.917A>G on transcript NM_000059.4 (MANE Select); coding-DNA position 917, A replaced by G.
Protein change: p.Asp306Gly; replaces aspartic acid 306 with glycine.
Molecular consequence: missense variant.
Genome position (GRCh38, 1-based): chr13:32,332,395, A>G. VCF-style: chr13-32332395-A-G. GRCh37 (hg19) VCF-style: chr13-32906532-A-G.
Other names: short protein forms D306G.
Identifiers: ClinVar variation 823067 (VCV000823067.8), dbSNP rs1593891489, ClinGen allele CA387760718.
Genomic context (GRCh38, chr13:32,332,395, plus strand): 5'-CAATGCCAAATGTCCTAGAAGATGAAGTATATGAAACAGTTGTAGATACCTCTGAAGAAG[A>G]TAGTTTTTCATTATGTTTTTCTAAATGTAGAACAAAAAATCTACAAAAAGTAAGAACTAG-3'
Protein context (NP_000050.3, residues 296-316): YETVVDTSEE[Asp306Gly]SFSLCFSKCR

ClinVar aggregate classification (germline): Conflicting classifications of pathogenicity. Review status: criteria provided, conflicting classifications (1 of 4 stars). 2 submissions from 2 submitters: Uncertain significance (1); Likely benign (1). Last evaluated 2026-08-03.

Conditions:
Hereditary cancer-predisposing syndrome. Also called: Tumor predisposition; Hereditary neoplastic syndrome; Neoplastic Syndromes, Hereditary; Hereditary Cancer Syndrome. Identifiers: Orphanet 140162, MedGen C0027672, MeSH D009386, MONDO:0015356.

Submissions (2):

Ambry Genetics
Classification: Uncertain significance for Hereditary cancer-predisposing syndrome. Last evaluated: 2026-08-03. Review status: criteria provided, single submitter. Criteria: Ambry Variant Classification Scheme 2023. Collection method: clinical testing. Allele origin: germline.
Comment: The p.D306G variant (also known as c.917A>G), located in coding exon 9 of the BRCA2 gene, results from an A to G substitution at nucleotide position 917. The aspartic acid at codon 306 is replaced by glycine, an amino acid with similar properties. This amino acid position is highly conserved in available vertebrate species. In addition, this alteration is predicted to be tolerated by in silico analysis. Based on the available evidence, the clinical significance of this variant remains unclear.

University of Washington Department of Laboratory Medicine, University of Washington
Classification: Likely benign for Hereditary cancer-predisposing syndrome. Last evaluated: 2023-03-23. Review status: criteria provided, single submitter. Criteria: Dines et al. (Genet Med. 2020). Collection method: curation. Allele origin: germline.
Comment: Missense variant in a coldspot region where missense variants are very unlikely to be pathogenic (PMID:31911673).

BRCA2 exon 10 coldspot. Reclassification based on statistical prior probability.